The following is an entry in ClinVar:

ClinVar aggregate classification (germline): Uncertain significance (1 of 4 stars; one submission).

Allele frequency attached by ClinVar (database versions not stated): gnomAD 0.00001.
gnomAD v4.1: 1 of 1,612,882 alleles (0.000062%); highest among the groups gnomAD compares: South Asian, 0.0011%; no homozygotes.

Submission:

Labcorp Genetics (formerly Invitae), Labcorp
Classification: Uncertain significance. Last evaluated: 2022-12-26. Review status: criteria provided, single submitter. Criteria: Invitae Variant Classification Sherloc (09022015). Collection method: clinical testing. Allele origin: germline.
Comment: In summary, the available evidence is currently insufficient to determine the role of this variant in disease. Therefore, it has been classified as a Variant of Uncertain Significance. Variants that disrupt the consensus splice site are a relatively common cause of aberrant splicing (PMID: 17576681, 9536098). Algorithms developed to predict the effect of sequence changes on RNA splicing suggest that this variant may disrupt the consensus splice site. This variant has not been reported in the literature in individuals affected with GABRB1-related conditions. This variant is not present in population databases (gnomAD no frequency). This sequence change falls in intron 8 of the GABRB1 gene. It does not directly change the encoded amino acid sequence of the GABRB1 protein. It affects a nucleotide within the consensus splice site.

Literature cited by the submitters: PubMed 17576681; PubMed 9536098.

NM_000812.4(GABRB1):c.1080+1G>A

Gene: GABRB1 (gamma-aminobutyric acid type A receptor subunit beta1; plus strand). Cytogenetic location: 4p12.
Variant type: single nucleotide variant.
Coding change: c.1080+1G>A on transcript NM_000812.4 (MANE Select); the canonical splice donor site of the intron after coding-DNA position 1080, G replaced by A.
Molecular consequence: splice donor variant.
Genome position (GRCh38, 1-based): chr4:47,406,927, G>A. VCF-style: chr4-47406927-G-A. GRCh37 (hg19) VCF-style: chr4-47408944-G-A.
Identifiers: ClinVar variation 2824380 (VCV002824380.3), dbSNP rs1728593410, ClinGen allele CA356812057.